The following is an entry in ClinVar:

ClinVar aggregate classification (germline): Benign (0 of 4 stars; one submission).

Conditions:
CDK8-related disorder. Also called: CDK8-related condition.

Allele frequency attached by ClinVar (database versions not stated): gnomAD exomes 0.00042; ExAC 0.00153; gnomAD 0.00406; TOPMed 0.00448; ESP Exome Variant Server 0.00577; 1000 Genomes Project 0.00679; 1000 Genomes Project 30x 0.00750.
gnomAD v4.1: 1,290 of 1,611,204 alleles (0.08%); highest among the groups gnomAD compares: African/African-American, 1.4%; 4 homozygotes.

Submission:

PreventionGenetics, part of Exact Sciences
Classification: Benign for CDK8-related condition. Last evaluated: 2019-10-28. Review status: no assertion criteria provided. Collection method: clinical testing. Allele origin: germline.
Comment: This variant is classified as benign based on ACMG/AMP sequence variant interpretation guidelines (Richards et al. 2015 PMID: 25741868, with internal and published modifications).

NM_001260.3(CDK8):c.128+10T>C

Gene: CDK8 (cyclin dependent kinase 8; plus strand). Cytogenetic location: 13q12.13.
Variant type: single nucleotide variant.
Coding change: c.128+10T>C on transcript NM_001260.3 (MANE Select); 10 bases into the intron after coding-DNA position 128, T replaced by C.
Molecular consequence: intron variant.
Genome position (GRCh38, 1-based): chr13:26,254,779, T>C. VCF-style: chr13-26254779-T-C. GRCh37 (hg19) VCF-style: chr13-26828916-T-C.
Other names: c.128+10T>C (NM_001318368.2); c.-334+10T>C (NM_001346501.2).
Identifiers: ClinVar variation 3035043 (VCV003035043.2), dbSNP rs191644469, ClinGen allele CA6924370.